The following is an entry in ClinVar:

ClinVar aggregate classification (germline): Uncertain significance (1 of 4 stars; one submission).

Conditions:
Hereditary cancer-predisposing syndrome. Also called: Neoplastic Syndromes, Hereditary; Tumor predisposition; Hereditary Cancer Syndrome; Hereditary neoplastic syndrome. Identifiers: Orphanet 140162, MedGen C0027672, MeSH D009386, MONDO:0015356.

Submission:

Ambry Genetics
Classification: Uncertain significance for Hereditary cancer-predisposing syndrome. Last evaluated: 2022-01-03. Review status: criteria provided, single submitter. Criteria: Ambry Variant Classification Scheme 2023. Collection method: clinical testing. Allele origin: germline.
Comment: The p.P2312A variant (also known as c.6934C>G), located in coding exon 15 of the APC gene, results from a C to G substitution at nucleotide position 6934. The proline at codon 2312 is replaced by alanine, an amino acid with highly similar properties. This amino acid position is highly conserved in available vertebrate species. In addition, in silico predictors for this gene do not accurately predict pathogenicity. Since supporting evidence is limited at this time, the clinical significance of this alteration remains unclear.

NM_000038.6(APC):c.6934C>G (p.Pro2312Ala)

Gene: APC (APC regulator of Wnt signaling pathway; plus strand). Cytogenetic location: 5q22.2.
Variant type: single nucleotide variant.
Coding change: c.6934C>G on transcript NM_000038.6 (MANE Select); coding-DNA position 6934, C replaced by G.
Protein change: p.Pro2312Ala; replaces proline 2312 with alanine.
Molecular consequence: missense variant.
Genome position (GRCh38, 1-based): chr5:112,842,528, C>G. VCF-style: chr5-112842528-C-G. GRCh37 (hg19) VCF-style: chr5-112178225-C-G.
Other names: c.6934C>G, p.Pro2312Ala (NM_001127510.3, NM_001354895.2, NM_001407450.1); c.6880C>G, p.Pro2294Ala (NM_001127511.3); c.6988C>G, p.Pro2330Ala (NM_001354896.2, NM_001407447.1, NM_001407448.1 and 1 more transcripts); c.6964C>G, p.Pro2322Ala (NM_001354897.2); c.6859C>G, p.Pro2287Ala (NM_001354898.2); c.6850C>G, p.Pro2284Ala (NM_001354899.2); c.6811C>G, p.Pro2271Ala (NM_001354900.2); c.6757C>G, p.Pro2253Ala (NM_001354901.2, NM_001407453.1); and 11 more; short protein forms P2229A, P2271A, P2294A, P2305A, P2029A, P2186A, P2253A, P2322A.
Identifiers: ClinVar variation 1756221 (VCV001756221.2), dbSNP rs1266863116, ClinGen allele CA16036454.